The following is an entry in ClinVar:

NM_001040142.2(SCN2A):c.5506A>C (p.Lys1836Gln)

Gene: SCN2A (sodium voltage-gated channel alpha subunit 2; plus strand). Cytogenetic location: 2q24.3.
Variant type: single nucleotide variant.
Coding change: c.5506A>C on transcript NM_001040142.2 (MANE Select); coding-DNA position 5506, A replaced by C.
Protein change: p.Lys1836Gln; replaces lysine 1836 with glutamine.
Molecular consequence: missense variant.
Genome position (GRCh38, 1-based): chr2:165,389,312, A>C. VCF-style: chr2-165389312-A-C. GRCh37 (hg19) VCF-style: chr2-166245822-A-C.
Other names: c.5506A>C (NM_021007.2); c.5506A>C, p.Lys1836Gln (NM_001040143.2, NM_001371246.1, NM_001371247.1 and 1 more transcripts); short protein forms K1836Q.
Identifiers: ClinVar variation 2923868 (VCV002923868.6), dbSNP rs779432244, ClinGen allele CA59752781.

ClinVar aggregate classification (germline): Uncertain significance. Review status: criteria provided, multiple submitters, no conflicts (2 of 4 stars). 3 submissions from 3 submitters: Uncertain significance (3). Last evaluated 2026-01-09.

Conditions:
Seizures, benign familial infantile, 3 (BFIS3). Also called: Familial neonatal seizures; CONVULSIONS, BENIGN FAMILIAL INFANTILE, 3. Identifiers: Orphanet 140927, Orphanet 306, MedGen C1843140, MONDO:0011904, OMIM 607745.
Developmental and epileptic encephalopathy, 11 (DEE11). Also called: Early infantile epileptic encephalopathy 11. Identifiers: Orphanet 1934, MedGen C3150987, MONDO:0013388, OMIM 613721.
Inborn genetic diseases. Identifiers: MedGen C0950123, MeSH D030342.

gnomAD v4.1: 29 of 1,614,092 alleles (0.0018%); highest among the groups gnomAD compares: Non-Finnish European, 0.0024%; no homozygotes.

Submissions (3):

GeneDx
Classification: Uncertain significance. Last evaluated: 2026-01-09. Review status: criteria provided, single submitter. Criteria: GeneDx Variant Classification Process June 2021. Collection method: clinical testing. Allele origin: germline.
Comment: Not observed at significant frequency in large population cohorts (gnomAD); This substitution is predicted to be within the C-terminal cytoplasmic domain; In silico analysis suggests that this missense variant does not alter protein structure/function; Has not been previously published as pathogenic or benign to our knowledge

Ambry Genetics
Classification: Uncertain significance for Inborn genetic diseases. Last evaluated: 2024-02-12. Review status: criteria provided, single submitter. Criteria: Ambry Variant Classification Scheme 2023. Collection method: clinical testing. Allele origin: germline.

Labcorp Genetics (formerly Invitae), Labcorp
Classification: Uncertain significance for Seizures, benign familial infantile, 3; Developmental and epileptic encephalopathy, 11. Last evaluated: 2023-06-22. Review status: criteria provided, single submitter. Criteria: Invitae Variant Classification Sherloc (09022015). Collection method: clinical testing. Allele origin: germline.
Comment: This variant is present in population databases (rs779432244, gnomAD 0.0009%). In summary, the available evidence is currently insufficient to determine the role of this variant in disease. Therefore, it has been classified as a Variant of Uncertain Significance. Advanced modeling of protein sequence and biophysical properties (such as structural, functional, and spatial information, amino acid conservation, physicochemical variation, residue mobility, and thermodynamic stability) performed at Invitae indicates that this missense variant is expected to disrupt SCN2A protein function. This missense change has been observed in individual(s) with clinical features of developmental and epileptic encephalopathy (Invitae). This sequence change replaces lysine, which is basic and polar, with glutamine, which is neutral and polar, at codon 1836 of the SCN2A protein (p.Lys1836Gln).